The following is an entry in ClinVar:

ClinVar aggregate classification (germline): Conflicting classifications of pathogenicity. Review status: criteria provided, conflicting classifications (1 of 4 stars). 20 submissions from 16 submitters: Uncertain significance (3); Benign (8); Likely benign (7). 2 of the submissions do not count toward it. Last evaluated 2026-02-03.

Conditions:
Cardiovascular phenotype. Identifiers: MedGen CN230736.
Dilated cardiomyopathy 1G (CMD1G). Identifiers: Orphanet 154, MedGen C1858763, MONDO:0011400, OMIM 604145.
Autosomal recessive limb-girdle muscular dystrophy type 2J (LGMDR10). Also called: Limb-girdle muscular dystrophy, type 2J; MUSCULAR DYSTROPHY, LIMB-GIRDLE, AUTOSOMAL RECESSIVE 10. Identifiers: Orphanet 140922, MedGen C1837342, MONDO:0012127, OMIM 608807.
Cardiomyopathy (CMYO). Also called: Cardiomyopathies. Identifiers: Orphanet 167848, MedGen C0878544, MONDO:0004994, HP:0001638. Inheritance: Various modes of inheritance.
Early-onset myopathy with fatal cardiomyopathy (CMYO5). Also called: CONGENITAL MYOPATHY 5 WITH CARDIOMYOPATHY; Salih Myopathy. Identifiers: Orphanet 289377, MedGen C2673677, MONDO:0012714, OMIM 611705. Disease mechanism: loss of function.
Myopathy, myofibrillar, 9, with early respiratory failure (MFM9). Also called: MYOPATHY, PROXIMAL, WITH EARLY RESPIRATORY MUSCLE INVOLVEMENT; Myopathy, distal, with early respiratory failure, autosomal dominant; Hereditary myopathy with early respiratory failure; EDSTROM MYOPATHY. Identifiers: Orphanet 178464, Orphanet 34521, MedGen C1863599, MONDO:0011362, OMIM 603689.
Tibial muscular dystrophy (TMD). Also called: Tibial muscular dystrophy, tardive; UDD MYOPATHY; Udd Distal Myopathy – Tibial Muscular Dystrophy. Identifiers: Orphanet 609, MedGen C1838244, MONDO:0010870, OMIM 600334.
Primary dilated cardiomyopathy (DCM). Also called: Dilated Cardiomyopathy. Identifiers: Orphanet 217604, MedGen C0007193, MeSH D002311, MONDO:0005021, HP:0001644. Inheritance: Various modes of inheritance.

Allele frequency attached by ClinVar (database versions not stated): gnomAD exomes 0.00044; ExAC 0.00063; 1000 Genomes Project 0.00120; 1000 Genomes Project 30x 0.00125; ESP Exome Variant Server 0.00162; gnomAD 0.00172; TOPMed 0.00233.
gnomAD v4.1: 548 of 1,604,464 alleles (0.034%); highest among the groups gnomAD compares: African/African-American, 0.65%; 1 homozygote.

Submissions (20):

Labcorp Genetics (formerly Invitae), Labcorp
Classification: Benign for Dilated cardiomyopathy 1G; Autosomal recessive limb-girdle muscular dystrophy type 2J. Last evaluated: 2026-02-03. Review status: criteria provided, single submitter. Criteria: Invitae Variant Classification Sherloc (09022015). Collection method: clinical testing. Allele origin: germline.

Mayo Clinic Laboratories, Mayo Clinic
Classification: Likely benign. Last evaluated: 2025-08-15. Review status: criteria provided, single submitter. Criteria: ACMG Guidelines, 2015. Collection method: clinical testing. Allele origin: germline. Observed: 5 variant alleles.
Comment: BS1, BP4

Molecular Diagnostic Laboratory for Inherited Cardiovascular Disease, Montreal Heart Institute
Classification: Likely benign. Last evaluated: 2025-04-09. Review status: criteria provided, single submitter. Criteria: ACMG Guidelines, 2015. Collection method: clinical testing. Allele origin: germline. Affected: no.

ARUP Laboratories, Molecular Genetics and Genomics, ARUP Laboratories
Classification: Likely benign. Last evaluated: 2023-03-28. Review status: criteria provided, single submitter. Criteria: ARUP Molecular Germline Variant Investigation Process 2024. Collection method: clinical testing. Allele origin: germline.

Women's Health and Genetics/Laboratory Corporation of America, LabCorp
Classification: Benign. Last evaluated: 2021-07-19. Review status: criteria provided, single submitter. Criteria: LabCorp Variant Classification Summary - May 2015. Collection method: clinical testing. Allele origin: germline.
Comment: Variant summary: TTN c.31361A>C (p.Lys10454Thr) results in a non-conservative amino acid change located in the I-band region of the encoded protein sequence. Three of five in-silico tools predict a damaging effect of the variant on protein function. The variant allele was found at a frequency of 0.00044 in 238212 control chromosomes, predominantly at a frequency of 0.0062 within the African or African-American subpopulation in the gnomAD database. The observed variant frequency within African or African-American control individuals in the gnomAD database is approximately 16-fold of the estimated maximal expected allele frequency for a pathogenic variant in TTN causing Dilated Cardiomyopathy phenotype (0.00039), strongly suggesting that the variant is a benign polymorphism found primarily in populations of African or African-American origin. To our knowledge, no occurrence of c.31361A>C in individuals affected with Dilated Cardiomyopathy and no experimental evidence demonstrating its impact on protein function have been reported. Six ClinVar submitters (evaluation after 2014) cite the variant as benign/likely benign and one ClinVar submitter (evaluation after 2014) cites it as uncertain significance. Based on the evidence outlined above, the variant was classified as benign.

GeneDx
Classification: Likely benign. Last evaluated: 2020-12-03. Review status: criteria provided, single submitter. Criteria: GeneDx Variant Classification Process June 2021. Collection method: clinical testing. Allele origin: germline. Affected: yes.
Comment: This variant is associated with the following publications: (PMID: 23861362)

Athena Diagnostics
Classification: Benign. Last evaluated: 2019-11-12. Review status: criteria provided, single submitter. Criteria: Athena Diagnostics Criteria. Collection method: clinical testing. Allele origin: unknown.

Illumina Laboratory Services, Illumina
Classification: Uncertain significance for Early-onset myopathy with fatal cardiomyopathy. Last evaluated: 2018-01-13. Review status: criteria provided, single submitter. Criteria: ICSL Variant Classification Criteria 13 December 2019. Collection method: clinical testing. Allele origin: germline.

Illumina Laboratory Services, Illumina
Classification: Uncertain significance for Autosomal recessive limb-girdle muscular dystrophy type 2J. Last evaluated: 2018-01-13. Review status: criteria provided, single submitter. Criteria: ICSL Variant Classification Criteria 13 December 2019. Collection method: clinical testing. Allele origin: germline.

Illumina Laboratory Services, Illumina
Classification: Benign for Myopathy, myofibrillar, 9, with early respiratory failure. Last evaluated: 2018-01-13. Review status: criteria provided, single submitter. Criteria: ICSL Variant Classification Criteria 13 December 2019. Collection method: clinical testing. Allele origin: germline.
Comment: This variant was observed in the ICSL laboratory as part of a predisposition screen in an ostensibly healthy population. It had not been previously curated by ICSL or reported in the Human Gene Mutation Database (HGMD: prior to June 1st, 2018), and was therefore a candidate for classification through an automated scoring system. Utilizing variant allele frequency, disease prevalence and penetrance estimates, and inheritance mode, an automated score was calculated to assess if this variant is too frequent to cause the disease. Based on the score and internal cut-off values, a variant classified as benign is not then subjected to further curation. The score for this variant resulted in a classification of benign for this disease.

Illumina Laboratory Services, Illumina
Classification: Uncertain significance for Dilated cardiomyopathy 1G. Last evaluated: 2018-01-13. Review status: criteria provided, single submitter. Criteria: ICSL Variant Classification Criteria 13 December 2019. Collection method: clinical testing. Allele origin: germline.

Illumina Laboratory Services, Illumina
Classification: Benign for Tibial muscular dystrophy. Last evaluated: 2018-01-13. Review status: criteria provided, single submitter. Criteria: ICSL Variant Classification Criteria 13 December 2019. Collection method: clinical testing. Allele origin: germline.
Comment: the same text as in the submission from Illumina Laboratory Services, Illumina above.

Laboratory for Molecular Medicine, Mass General Brigham Personalized Medicine
Classification: Benign. Last evaluated: 2017-11-13. Review status: criteria provided, single submitter. Criteria: LMM Criteria. Collection method: clinical testing. Allele origin: germline. Observed: 4 variant alleles.
Comment: p.Lys10454Thr in exon 151 of TTN: This variant is not expected to have clinical significance because it has been identified in 0.6% (142/22990) of African chrom osomes by the Genome Aggregation Database (gnomAD. org; dbSNP rs189966800). BA1

CHEO Genetics Diagnostic Laboratory, Children's Hospital of Eastern Ontario
Classification: Likely benign for Cardiomyopathy. Last evaluated: 2016-09-08. Review status: criteria provided, single submitter. Criteria: ACMG Guidelines, 2015. Collection method: clinical testing. Allele origin: germline. Study: Canadian Open Genetics Repository.

Eurofins Ntd Llc (ga)
Classification: Benign. Last evaluated: 2014-12-16. Review status: criteria provided, single submitter. Criteria: EGL Classification Definitions 2015. Collection method: clinical testing. Allele origin: germline. Observed: 1 variant allele, 1 heterozygote.

Ambry Genetics
Classification: Likely benign for Cardiovascular phenotype. Last evaluated: 2013-11-08. Review status: criteria provided, single submitter. Criteria: Ambry Autosomal Dominant and X-Linked criteria (10/2015). Collection method: clinical testing. Allele origin: germline. Observed: 1 variant allele.

Biesecker Lab/Clinical Genomics Section, National Institutes of Health
Classification: Benign. Last evaluated: 2013-06-24. Review status: criteria provided, single submitter. Criteria: Ng et al. (Circ Cardiovasc Genet. 2013). Collection method: research. Allele origin: unknown. Observed: 2 variant alleles. Study: ClinSeq.
Comment: The study set was not selected for affection status in relation to any cancer. Pathogenicity categories were based on literature curation. See Pubmed ID:23861362 for details.

Medical sequencing

Genetics and Genomics Program, Sidra Medicine
Classification: Likely benign for Primary dilated cardiomyopathy. Review status: criteria provided, single submitter. Criteria: ACMG Guidelines, 2015. Collection method: research. Allele origin: unknown. Affected: yes. Observed: 1 variant allele.

Clinical Genetics DNA and cytogenetics Diagnostics Lab, Erasmus MC, Erasmus Medical Center
Classification: Likely benign. Review status: no assertion criteria provided. Collection method: clinical testing. Allele origin: germline. Affected: yes. Study: VKGL Data-share Consensus. Not counted in ClinVar's aggregate classification.

Clinical Genetics, Academic Medical Center
Classification: Benign. Review status: no assertion criteria provided. Collection method: clinical testing. Allele origin: germline. Affected: yes. Study: VKGL Data-share Consensus. Not counted in ClinVar's aggregate classification.

Literature cited by the submitters: PubMed 23861362 (cited by 3 submitters).

NM_001267550.2(TTN):c.35264A>C (p.Lys11755Thr)

Gene: TTN (titin; minus strand). Cytogenetic location: 2q31.2.
Variant type: single nucleotide variant.
Coding change: c.35264A>C on transcript NM_001267550.2 (MANE Select); coding-DNA position 35264, A replaced by C.
Protein change: p.Lys11755Thr; replaces lysine 11755 with threonine.
Molecular consequence: missense variant. On other transcripts: intron variant (3).
Genome position (GRCh38, 1-based): chr2:178,671,134, T>G on the plus strand (A>C on the coding strand, the complement: TTN is on the minus strand). VCF-style: chr2-178671134-T-G. GRCh37 (hg19) VCF-style: chr2-179535861-T-G.
Other names: p.K11381T:AAA>ACA; c.13283-28817A>C (NM_003319.4); c.13859-28817A>C (NM_133437.4); c.13658-28817A>C (NM_133432.3); c.34142A>C, p.Lys11381Thr (NM_001256850.1); c.31361A>C, p.Lys10454Thr (NM_133378.4); short protein forms K11755T, K10454T, K11381T.
Identifiers: ClinVar variation 46914 (VCV000046914.37), dbSNP rs189966800, ClinGen allele CA139508.
Genomic context (GRCh38, chr2:178,671,134, plus strand): 5'-TTCACAAAGAAGATACCTTTAGCTGGTGGCTCTTTTCGAGGAACAACTTTAGTGGGCGGT[T>G]TTTTTGGAGGGATGATTTTCTCAGATATCTCAGGCCCTTCAAAGATATTAGTATTTTGGT-3'
Protein context (NP_001254479.2, residues 11745-11765): EISEKIIPPK[Lys11755Thr]PPTKVVPRKE